The following is an entry in ClinVar:

ClinVar aggregate classification (germline): Likely pathogenic. Review status: reviewed by expert panel (3 of 4 stars). 3 submissions from 3 submitters: Likely pathogenic (1). 2 of the submissions do not count toward it. Last evaluated 2024-01-25.

Conditions:
Hereditary antithrombin deficiency (AT3D). Also called: Antithrombin deficiency; Antithrombin III deficiency; Thrombophilia due to antithrombin III deficiency; Reduced antithrombin III activity. Identifiers: Orphanet 82, MedGen C0272375, MONDO:0013144, OMIM 613118, HP:0001976.

Submissions (4):

Clingen Thrombosis Variant Curation Expert Panel, ClinGen
Classification: Likely pathogenic for Hereditary antithrombin deficiency. Last evaluated: 2024-01-25. Review status: reviewed by expert panel. Criteria: ClinGen ACMG Specifications SERPINC1 V1.0.0. Collection method: curation. Allele origin: germline. Inheritance: Autosomal dominant inheritance.
Comment: The c.624+1G>A (NM_000488.4) variant in SERPINC1 occurs within the canonical splice donor site (+1) of intron 3. The variant is not predicted to disrupt reading frame, the role of the region is unknown, LoF variants are not common in SERPINC1, the variant is present in transcript NM_000488.4, and is predicted to affect >10% of the protein (15% (71AA in Exon 3/464AA total)) meeting criteria for PVS1_Strong.The variant is absent from gnomAD v2.1.1 and v3.1 with good coverage across both genomes and exomes, meeting criteria for PM2_supporting. This variant has been reported in 1 proband with antithrombin activity level of 55 meeting the SERPINC1-phenotypic criteria (AT level of <0.8 IU/mL) (PS4_Supporting; Alhenc-Gelas et al. 2017. PMID: 28300866). In summary, this variant meets criteria to be classified as likely pathogenic. ACMG/AMP criteria applied, as specified by the Thrombosis Variant Curation Expert Panel for AT Deficiency for SERPINC1: PVS1_Strong, PS4_Supporting, PM2_Supporting.

Mayo Clinic Laboratories, Mayo Clinic
Classification: Likely pathogenic. Last evaluated: 2024-02-02. Review status: criteria provided, single submitter. Criteria: ACMG Guidelines, 2015. Collection method: clinical testing. Allele origin: germline. Not counted in ClinVar's aggregate classification.
Comment: PM2_moderate, PS4_supporting, PVS1

Diagnostics Services (NGS), CSIR - Centre For Cellular And Molecular Biology
Classification: Pathogenic for Hereditary antithrombin deficiency. Last evaluated: 2019-11-08. Review status: criteria provided, single submitter. Criteria: ACMG Guidelines, 2015. Collection method: clinical testing. Allele origin: unknown. Inheritance: Autosomal dominant inheritance. Affected: yes. Observed: 1 heterozygote. Not counted in ClinVar's aggregate classification.
Comment: The variant causes alteration of a wild type donor splice-site. The c.624+1G>A variant is not present in publicly available databases like 1000 Genomes, Exome Variant Server (EVS), Exome Aggregation Consortium (ExAC), Genome Aggregation Database (gnomAD) and dbSNP. The variant is also not present in our in-house exome database. The variant was also not reported to OMIM, ClinVar and Human Genome Mutation Database (HGMD) in any other affected individuals. However a different base change (c.624+1G>T) in the same position was reported in HGMD (ID: CS126235) in similarly affected individuals . In-silico pathogenicity prediction programs like Mutation Taster2, CADD etc. predicted this variant as likely disease causing.

Dr. Peter K. Rogan Lab, Western University
No classification provided (evidence only). Condition: Hepatocellular carcinoma. Review status: no classification provided. Collection method: in vitro. Allele origin: not applicable. Functional consequence: skipped exon, retained intron. Not counted in ClinVar's aggregate classification.

Literature cited by the submitters: PubMed 22498983 (cited by Mayo Clinic Laboratories, Mayo Clinic); PubMed 28300866 (cited by Mayo Clinic Laboratories, Mayo Clinic); PubMed 28607330 (cited by Mayo Clinic Laboratories, Mayo Clinic).

NM_000488.4(SERPINC1):c.624+1G>A

Gene: SERPINC1 (serpin family C member 1; minus strand). Cytogenetic location: 1q25.1.
Variant type: single nucleotide variant.
Coding change: c.624+1G>A on transcript NM_000488.4 (MANE Select); the canonical splice donor site of the intron after coding-DNA position 624, G replaced by A.
Molecular consequence: splice donor variant. On other transcripts: intron variant (1).
Genome position (GRCh38, 1-based): chr1:173,911,798, C>T on the plus strand (G>A on the coding strand, the complement: SERPINC1 is on the minus strand). VCF-style: chr1-173911798-C-T. GRCh37 (hg19) VCF-style: chr1-173880936-C-T.
Other names: p.?; NC_000001.10:g.173880936C>T; c.705+1G>A (NM_001386303.1); c.409-907G>A (NM_001386306.1); c.624+1G>A (NM_001386304.1, NM_001386305.1, NM_001386302.1); c.480+1G>A (NM_001365052.2).
Identifiers: ClinVar variation 694627 (VCV000694627.8), dbSNP rs1572090079, ClinGen allele CA343776041.
Genomic context (GRCh38, chr1:173,911,798, plus strand): 5'-CTCCTCAATCTCTGAGTGGAGAGGAAGAACTCGGAGGTCAGGGGTAACATCTGCAACTCA[C>T]CTTGAAGTCCAGGGGCTGGAGCTTGGCTCCATATACCAACTCACTGATGTCCTGGTAGGT-3'